The following is an entry in ClinVar:

NM_001020658.2(PUM1):c.1465A>G (p.Asn489Asp)

Gene: PUM1 (pumilio RNA binding family member 1; minus strand). Cytogenetic location: 1p35.2.
Variant type: single nucleotide variant.
Coding change: c.1465A>G on transcript NM_001020658.2 (MANE Select); coding-DNA position 1465, A replaced by G.
Protein change: p.Asn489Asp; replaces asparagine 489 with aspartic acid.
Molecular consequence: missense variant.
Genome position (GRCh38, 1-based): chr1:30,974,692, T>C on the plus strand (A>G on the coding strand, the complement: PUM1 is on the minus strand). VCF-style: chr1-30974692-T-C. GRCh37 (hg19) VCF-style: chr1-31447539-T-C.
Other names: c.1465A>G, p.Asn489Asp (NM_014676.3); short protein forms N489D.
Identifiers: ClinVar variation 4072568 (VCV004072568.1).

ClinVar aggregate classification (germline): Uncertain significance (1 of 4 stars; one submission).

gnomAD v4.1: 1 of 1,610,614 alleles (0.000062%); highest among the groups gnomAD compares: Non-Finnish European, 0.000085%; no homozygotes.

Submission:

GeneDx
Classification: Uncertain significance. Last evaluated: 2025-01-28. Review status: criteria provided, single submitter. Criteria: GeneDx Variant Classification Process June 2021. Collection method: clinical testing. Allele origin: germline. Affected: yes.
Comment: Not observed at significant frequency in large population cohorts (gnomAD); In silico analysis indicates that this missense variant does not alter protein structure/function; Has not been previously published as pathogenic or benign to our knowledge